The following is an entry in ClinVar:

NM_000352.6(ABCC8):c.11C>T (p.Ala4Val)

Gene: ABCC8 (ATP binding cassette subfamily C member 8; minus strand). Cytogenetic location: 11p15.1.
Variant type: single nucleotide variant.
Coding change: c.11C>T on transcript NM_000352.6 (MANE Select); coding-DNA position 11, C replaced by T.
Protein change: p.Ala4Val; replaces alanine 4 with valine.
Molecular consequence: missense variant. On other transcripts: non-coding transcript variant (1).
Genome position (GRCh38, 1-based): chr11:17,476,766, G>A on the plus strand (C>T on the coding strand, the complement: ABCC8 is on the minus strand). VCF-style: chr11-17476766-G-A. GRCh37 (hg19) VCF-style: chr11-17498313-G-A.
Other names: c.11C>T, p.Ala4Val (NM_001287174.3, NM_001351295.2, NM_001351296.2 and 1 more transcripts); short protein forms A4V.
Identifiers: ClinVar variation 1048784 (VCV001048784.4), dbSNP rs2133738359, ClinGen allele CA379790450.
Genomic context (GRCh38, chr11:17,476,766, plus strand): 5'-TTGTTGAGGACCCCCTGGTCCACCCGGTAGGCGGCCGAGTGGTTCTCGCTGCCGCAGAAG[G>A]CCAGGGGCATGGCGGCGCGGGCGCGGGCTGGGCTCGGGCTCAGCTGGCTCCGCTGGCTCC-3'
Protein context (NP_000343.2, residues 1-14): MPL[Ala4Val]FCGSENHSAA

ClinVar aggregate classification (germline): Conflicting classifications of pathogenicity. Review status: criteria provided, conflicting classifications (1 of 4 stars). 3 submissions from 3 submitters: Likely pathogenic (1); Uncertain significance (2). Last evaluated 2025-11-21.

Conditions:
Hyperinsulinemic hypoglycemia, familial, 1 (HHF1). Also called: Persistent Hyperinsulinemia Hypoglycemia of Infancy; Persistent hyperinsulinemic hypoglycemia of infancy; HYPERINSULINISM, FAMILIAL, WITH PANCREATIC NESIDIOBLASTOSIS; HYPOGLYCEMIA, HYPERINSULINEMIC, OF INFANCY; NESIDIOBLASTOSIS OF PANCREAS. Identifiers: Orphanet 276575, Orphanet 276598, MedGen C2931832, MONDO:0009734, OMIM 256450.

Allele frequency attached by ClinVar (database versions not stated): gnomAD exomes 0.00001.
gnomAD v4.1: 8 of 1,578,486 alleles (0.00051%); highest among the groups gnomAD compares: Non-Finnish European, 0.00069%; no homozygotes.

Submissions (3):

Myriad Genetics, Inc.
Classification: Uncertain significance for Hyperinsulinemic hypoglycemia, familial, 1. Last evaluated: 2025-11-21. Review status: criteria provided, single submitter. Criteria: Myriad Autosomal Dominant, Autosomal Recessive and X-Linked Classification Criteria (2023). Collection method: clinical testing. Allele origin: unknown.
Comment: NM_000352.3(ABCC8):c.11C>T(A4V) is a missense variant classified as a variant of uncertain significance in the context of familial hyperinsulinism, ABCC8-related. A4V has been observed in a case with relevant disease (PMID: 25931474). Relevant functional assessments of this variant are not available in the literature. A4V has not been observed in referenced population frequency databases. In summary, there is insufficient evidence to classify NM_000352.3(ABCC8):c.11C>T(A4V) as pathogenic or benign. Please note: this variant was assessed in the context of healthy population screening.

Women's Health and Genetics/Laboratory Corporation of America, LabCorp
Classification: Uncertain significance. Last evaluated: 2024-03-07. Review status: criteria provided, single submitter. Criteria: LabCorp Variant Classification Summary - May 2015. Collection method: clinical testing. Allele origin: germline.
Comment: Variant summary: ABCC8 c.11C>T (p.Ala4Val) results in a non-conservative amino acid change in the encoded protein sequence. Five of five in-silico tools predict a damaging effect of the variant on protein function. The variant was absent in 175582 control chromosomes. The available data on variant occurrences in the general population are insufficient to allow any conclusion about variant significance. c.11C>T has been reported in the literature in individuals affected with Familial Hyperinsulinism (Salisbury_2015, Banerjee_2011). These data do not allow any conclusion about variant significance. To our knowledge, no experimental evidence demonstrating an impact on protein function has been reported. The following publications have been ascertained in the context of this evaluation (PMID: 21378087, 25931474). ClinVar contains an entry for this variant (Variation ID: 1048784). Based on the evidence outlined above, the variant was classified as uncertain significance.

NxGen MDx
Classification: Likely pathogenic for Hyperinsulinemic hypoglycemia, familial, 1. Last evaluated: 2021-02-10. Review status: criteria provided, single submitter. Criteria: ACMG Guidelines, 2015. Collection method: clinical testing. Allele origin: unknown.
Comment: This missense variant (c.11C>T) in ABCC8 exon 1 results in a change from one small non-polar residue to another (p.Ala4Val). This variant is not found in gnomAD exomes or genomes (PM2). Most available in silico models indicate pathogenic predictions (PP3). The variant was first reported by Banerjee et al. (PMID 21378087) in a patient unresponsive to diazoxide, and presumed by the authors to be a paternal compound heterozygote. We interpret c.11C>T to be likely pathogenic.

Literature cited by the submitters: PubMed 25931474 (cited by 3 submitters); PubMed 21378087 (cited by Women's Health and Genetics/Laboratory Corporation of America, LabCorp and NxGen MDx); PubMed 27334808 (cited by NxGen MDx).